The following is an entry in ClinVar:

NM_014780.5(CUL7):c.2603A>G (p.Asn868Ser)

Gene: CUL7 (cullin 7; minus strand). Cytogenetic location: 6p21.1.
Variant type: single nucleotide variant.
Coding change: c.2603A>G on transcript NM_014780.5 (MANE Select); coding-DNA position 2603, A replaced by G.
Protein change: p.Asn868Ser; replaces asparagine 868 with serine.
Molecular consequence: missense variant.
Genome position (GRCh38, 1-based): chr6:43,046,293, T>C on the plus strand (A>G on the coding strand, the complement: CUL7 is on the minus strand). VCF-style: chr6-43046293-T-C. GRCh37 (hg19) VCF-style: chr6-43014031-T-C.
Other names: c.2699A>G, p.Asn900Ser (NM_001168370.2, NM_001374872.1); c.2603A>G, p.Asn868Ser (NM_001374873.1, NM_001374874.1); short protein forms N868S, N900S.
Identifiers: ClinVar variation 356838 (VCV000356838.19), dbSNP rs149360738, ClinGen allele CA3813792.

ClinVar aggregate classification (germline): Benign/Likely benign. Review status: criteria provided, multiple submitters, no conflicts (2 of 4 stars). 6 submissions from 6 submitters: Benign (3); Likely benign (2). 1 of the submissions does not count toward it. Last evaluated 2026-02-04.

Conditions:
CUL7-related disorder. Also called: CUL7-related condition.
3M syndrome 1. Also called: 3-M Syndrome, CUL7-Related. Identifiers: Orphanet 2616, MedGen C2678312, MONDO:0010117, OMIM 273750.

Allele frequency attached by ClinVar (database versions not stated): 1000 Genomes Project 0.00240; gnomAD 0.00007 and 0.00022; TOPMed 0.00010; ESP Exome Variant Server 0.00015; gnomAD exomes 0.00085; ExAC 0.00094; 1000 Genomes Project 30x 0.00234.

Submissions (6):

Labcorp Genetics (formerly Invitae), Labcorp
Classification: Benign. Last evaluated: 2026-02-04. Review status: criteria provided, single submitter. Criteria: Invitae Variant Classification Sherloc (09022015). Collection method: clinical testing. Allele origin: germline.

Blueprint Genetics
Classification: Likely benign. Last evaluated: 2024-09-24. Review status: criteria provided, single submitter. Criteria: ACMG Guidelines, 2015. Collection method: clinical testing. Allele origin: germline.

Genetic Services Laboratory, University of Chicago
Classification: Benign. Last evaluated: 2018-02-07. Review status: criteria provided, single submitter. Criteria: ACMG Guidelines, 2015. Collection method: clinical testing. Allele origin: germline. Affected: no.

Illumina Laboratory Services, Illumina
Classification: Likely benign for 3M syndrome 1. Last evaluated: 2018-01-13. Review status: criteria provided, single submitter. Criteria: ICSL Variant Classification Criteria 13 December 2019. Collection method: clinical testing. Allele origin: germline.
Comment: This variant was observed in the ICSL laboratory as part of a predisposition screen in an ostensibly healthy population. It had not been previously curated by ICSL or reported in the Human Gene Mutation Database (HGMD: prior to June 1st, 2018), and was therefore a candidate for classification through an automated scoring system. Utilizing variant allele frequency, disease prevalence and penetrance estimates, and inheritance mode, an automated score was calculated to assess if this variant is too frequent to cause the disease. Based on the score and internal cut-off values, a variant classified as likely benign is not then subjected to further curation. The score for this variant resulted in a classification of likely benign for this disease.

Eurofins Ntd Llc (ga)
Classification: Benign. Last evaluated: 2016-10-13. Review status: criteria provided, single submitter. Criteria: EGL Classification Definitions 2015. Collection method: clinical testing. Allele origin: germline. Observed: 1 variant allele, 1 heterozygote.

PreventionGenetics, part of Exact Sciences
Classification: Likely benign for CUL7-related condition. Last evaluated: 2024-09-17. Review status: no assertion criteria provided. Collection method: clinical testing. Allele origin: germline. Not counted in ClinVar's aggregate classification.
Comment: This variant is classified as likely benign based on ACMG/AMP sequence variant interpretation guidelines (Richards et al. 2015 PMID: 25741868, with internal and published modifications).